The following is an entry in ClinVar:

NM_182914.3(SYNE2):c.17334G>T (p.Glu5778Asp)

Gene: SYNE2 (spectrin repeat containing nuclear envelope protein 2; plus strand). Cytogenetic location: 14q23.2.
Variant type: single nucleotide variant.
Coding change: c.17334G>T on transcript NM_182914.3 (MANE Select); coding-DNA position 17334, G replaced by T.
Protein change: p.Glu5778Asp; replaces glutamic acid 5778 with aspartic acid.
Molecular consequence: missense variant.
Genome position (GRCh38, 1-based): chr14:64,175,042, G>T. VCF-style: chr14-64175042-G-T. GRCh37 (hg19) VCF-style: chr14-64641760-G-T.
Other names: c.17334G>T, p.Glu5778Asp (NM_015180.6); short protein forms E5778D.
Identifiers: ClinVar variation 661988 (VCV000661988.8), dbSNP rs1349823978, ClinGen allele CA389981491.
Genomic context (GRCh38, chr14:64,175,042, plus strand): 5'-TGCCCTAACCTTGGAAGCTGGAGAAAAGTTACTGCTCACAACTGACCTGAAAACTAAAGA[G>T]TCTGTGGGTAGGAGAATCAGTCAACTTCAGGACAGCTGGAAAGACATGGAGCCCCAGCTG-3'
Protein context (NP_878918.2, residues 5768-5788): LLLTTDLKTK[Glu5778Asp]SVGRRISQLQ

ClinVar aggregate classification (germline): Uncertain significance (1 of 4 stars; one submission).

Conditions:
Emery-Dreifuss muscular dystrophy 5, autosomal dominant (EDMD5). Also called: EMERY-DREIFUSS MUSCULAR DYSTROPHY 5. Identifiers: Orphanet 261, MedGen C2751805, MONDO:0013072, OMIM 612999.

Allele frequency attached by ClinVar (database versions not stated): gnomAD 0.00001; gnomAD exomes 0.00001; TOPMed 0.00001.
gnomAD v4.1: 11 of 1,614,084 alleles (0.00068%); highest among the groups gnomAD compares: Non-Finnish European, 0.00093%; no homozygotes.

Submission:

Labcorp Genetics (formerly Invitae), Labcorp
Classification: Uncertain significance for Emery-Dreifuss muscular dystrophy 5, autosomal dominant. Last evaluated: 2025-12-24. Review status: criteria provided, single submitter. Criteria: Invitae Variant Classification Sherloc (09022015). Collection method: clinical testing. Allele origin: germline.
Comment: This sequence change replaces glutamic acid, which is acidic and polar, with aspartic acid, which is acidic and polar, at codon 5778 of the SYNE2 protein (p.Glu5778Asp). This variant is not present in population databases (gnomAD no frequency). This variant has not been reported in the literature in individuals affected with SYNE2-related conditions. ClinVar contains an entry for this variant (Variation ID: 661988). An algorithm developed to predict the effect of missense changes on protein structure and function outputs the following: PolyPhen-2: "Benign". The aspartic acid amino acid residue is found in multiple mammalian species, which suggests that this missense change does not adversely affect protein function. In summary, the available evidence is currently insufficient to determine the role of this variant in disease. Therefore, it has been classified as a Variant of Uncertain Significance.